The following is an entry in ClinVar:

ClinVar aggregate classification (germline): Uncertain significance (1 of 4 stars; one submission).

Conditions:
Inborn genetic diseases. Identifiers: MedGen C0950123, MeSH D030342.

gnomAD v4.1: 13 of 1,605,610 alleles (0.00081%); highest among the groups gnomAD compares: East Asian, 0.0022%; no homozygotes.

Submission:

Ambry Genetics
Classification: Uncertain significance for Inborn genetic diseases. Last evaluated: 2026-07-14. Review status: criteria provided, single submitter. Criteria: Ambry Variant Classification Scheme 2023. Collection method: clinical testing. Allele origin: germline.
Comment: The c.308G>A (p.R103H) alteration is located in exon 2 (coding exon 2) of the ROBO3 gene. This alteration results from a G to A substitution at nucleotide position 308, causing the arginine (R) at amino acid position 103 to be replaced by a histidine (H). Based on data from gnomAD, the A allele has an overall frequency of 0.001% (3/257814) total alleles studied. The highest observed frequency was 0.003% (3/115868) of European (non-Finnish) alleles. Based on insufficient or conflicting evidence, the clinical significance of this alteration remains unclear.

NM_022370.4(ROBO3):c.308G>A (p.Arg103His)

Gene: ROBO3 (roundabout guidance receptor 3; plus strand). Cytogenetic location: 11q24.2.
Variant type: single nucleotide variant.
Coding change: c.308G>A on transcript NM_022370.4 (MANE Select); coding-DNA position 308, G replaced by A.
Protein change: p.Arg103His; replaces arginine 103 with histidine.
Molecular consequence: missense variant.
Genome position (GRCh38, 1-based): chr11:124,868,949, G>A. VCF-style: chr11-124868949-G-A. GRCh37 (hg19) VCF-style: chr11-124738845-G-A.
Other names: short protein forms R103H.
Identifiers: ClinVar variation 5028378 (VCV005028378.1).
Genomic context (GRCh38, chr11:124,868,949, plus strand): 5'-TGCCCTGCCGCGCTGAAGGCCGACCCCGACCCAACATTGAGTGGTACAAGAACGGGGCGC[G>A]TGTGGCCACTGTGCGGGAGGATCCGCGTGCGCACCGCCTGCTGCTGCCCAGCGGCGCCCT-3'
Protein context (NP_071765.2, residues 93-113): PNIEWYKNGA[Arg103His]VATVREDPRA